The following is an entry in ClinVar:

NM_007294.4(BRCA1):c.4164G>T (p.Gln1388His)

Gene: BRCA1 (BRCA1 DNA repair associated; minus strand). Cytogenetic location: 17q21.31.
Variant type: single nucleotide variant.
Coding change: c.4164G>T on transcript NM_007294.4 (MANE Select); coding-DNA position 4164, G replaced by T.
Protein change: p.Gln1388His; replaces glutamine 1388 with histidine.
Molecular consequence: missense variant. On other transcripts: non-coding transcript variant (1).
Genome position (GRCh38, 1-based): chr17:43,090,965, C>A on the plus strand (G>T on the coding strand, the complement: BRCA1 is on the minus strand). VCF-style: chr17-43090965-C-A. GRCh37 (hg19) VCF-style: chr17-41242982-C-A.
Other names: c.4020G>T, p.Gln1340His (NM_001407744.1, NM_001407745.1, NM_001407746.1 and 20 more transcripts); c.3951G>T, p.Gln1317His (NM_001407571.1, NM_001407853.1, NM_001407894.1 and 9 more transcripts); c.4164G>T, p.Gln1388His (NM_001407581.1, NM_001407582.1, NM_001407583.1 and 30 more transcripts); c.4023G>T, p.Gln1341His (NM_001407750.1, NM_001407751.1, NM_001407752.1 and 29 more transcripts); c.4161G>T, p.Gln1387His (NM_001407587.1, NM_001407590.1, NM_001407591.1 and 22 more transcripts); c.3963G>T, p.Gln1321His (NM_001407862.1); c.4041G>T, p.Gln1347His (NM_001407863.1, NM_001407648.1, NM_001407919.1 and 19 more transcripts); c.3960G>T, p.Gln1320His (NM_001407874.1, NM_001407875.1); and 41 more; short protein forms Q1299H, Q1362H, Q1388H, Q174H, Q176H, Q214H, Q217H, Q237H.
Identifiers: ClinVar variation 1738365 (VCV001738365.5), dbSNP rs2154252278, ClinGen allele CA10593395.

ClinVar aggregate classification (germline): Uncertain significance. Review status: criteria provided, multiple submitters, no conflicts (2 of 4 stars). 2 submissions from 2 submitters: Uncertain significance (2). Last evaluated 2023-02-15.

Conditions:
Hereditary cancer-predisposing syndrome. Also called: Hereditary Cancer Syndrome; Hereditary neoplastic syndrome; Neoplastic Syndromes, Hereditary; Tumor predisposition. Identifiers: Orphanet 140162, MedGen C0027672, MeSH D009386, MONDO:0015356.
Hereditary breast ovarian cancer syndrome. Also called: Hereditary breast and ovarian cancer syndrome (HBOC); Hereditary breast and ovarian cancer syndrome; Breast and ovarian cancer; Hereditary breast and/or ovarian cancer syndrome; Hereditary breast and ovarian cancer; BRCA1- and BRCA2-Associated Hereditary Breast and Ovarian Cancer. Identifiers: Orphanet 145, MedGen C0677776, MeSH D061325, MONDO:0003582. Disease mechanism: loss of function.

Submissions (2):

Labcorp Genetics (formerly Invitae), Labcorp
Classification: Uncertain significance for Hereditary breast ovarian cancer syndrome. Last evaluated: 2023-02-15. Review status: criteria provided, single submitter. Criteria: Invitae Variant Classification Sherloc (09022015). Collection method: clinical testing. Allele origin: germline.
Comment: In summary, the available evidence is currently insufficient to determine the role of this variant in disease. Therefore, it has been classified as a Variant of Uncertain Significance. Advanced modeling of protein sequence and biophysical properties (such as structural, functional, and spatial information, amino acid conservation, physicochemical variation, residue mobility, and thermodynamic stability) performed at Invitae indicates that this missense variant is not expected to disrupt BRCA1 protein function. ClinVar contains an entry for this variant (Variation ID: 1738365). This variant has not been reported in the literature in individuals affected with BRCA1-related conditions. This variant is not present in population databases (gnomAD no frequency). This sequence change replaces glutamine, which is neutral and polar, with histidine, which is basic and polar, at codon 1388 of the BRCA1 protein (p.Gln1388His).

Ambry Genetics
Classification: Uncertain significance for Hereditary cancer-predisposing syndrome. Last evaluated: 2021-10-07. Review status: criteria provided, single submitter. Criteria: Ambry Variant Classification Scheme 2023. Collection method: clinical testing. Allele origin: germline.
Comment: The p.Q1388H variant (also known as c.4164G>T), located in coding exon 10 of the BRCA1 gene, results from a G to T substitution at nucleotide position 4164. The glutamine at codon 1388 is replaced by histidine, an amino acid with highly similar properties. This amino acid position is highly conserved in available vertebrate species. In addition, this alteration is predicted to be deleterious by in silico analysis. Since supporting evidence is limited at this time, the clinical significance of this alteration remains unclear.